The following is an entry in ClinVar:

NM_004793.4(LONP1):c.1716G>A (p.Lys572=)

Gene: LONP1 (lon peptidase 1, mitochondrial; minus strand). Cytogenetic location: 19p13.3.
Variant type: single nucleotide variant.
Coding change: c.1716G>A on transcript NM_004793.4 (MANE Select); coding-DNA position 1716, G replaced by A.
Protein change: p.Lys572=; no amino-acid change (lysine 572 retained).
Molecular consequence: synonymous variant. On other transcripts: non-coding transcript variant (1).
Genome position (GRCh38, 1-based): chr19:5,696,727, C>T on the plus strand (G>A on the coding strand, the complement: LONP1 is on the minus strand). VCF-style: chr19-5696727-C-T. GRCh37 (hg19) VCF-style: chr19-5696738-C-T.
Other names: c.1524G>A, p.Lys508= (NM_001276479.2); c.1128G>A, p.Lys376= (NM_001276480.1).
Identifiers: ClinVar variation 1567590 (VCV001567590.33), dbSNP rs150208648, ClinGen allele CA9114543.

ClinVar aggregate classification (germline): Benign/Likely benign. Review status: criteria provided, multiple submitters, no conflicts (2 of 4 stars). 4 submissions from 4 submitters: Benign (2); Likely benign (2). Last evaluated 2026-05-01.

Allele frequency attached by ClinVar (database versions not stated): gnomAD exomes 0.00019 and 0.00039; 1000 Genomes Project 0.00020; ESP Exome Variant Server 0.00023; gnomAD 0.00024 and 0.00025; TOPMed 0.00027; 1000 Genomes Project 30x 0.00031; ExAC 0.00033.
gnomAD v4.1: 339 of 1,613,588 alleles (0.021%); highest among the groups gnomAD compares: Middle Eastern, 0.49%; 2 homozygotes.

Submissions (4):

CeGaT Center for Human Genetics Tuebingen
Classification: Likely benign. Last evaluated: 2026-05-01. Review status: criteria provided, single submitter. Criteria: CeGaT Center For Human Genetics Tuebingen Variant Classification Criteria Version 2. Collection method: clinical testing. Allele origin: germline. Affected: yes. Observed: 6 variant alleles.
Comment: LONP1: BP4, BP7

Labcorp Genetics (formerly Invitae), Labcorp
Classification: Benign. Last evaluated: 2025-12-03. Review status: criteria provided, single submitter. Criteria: Invitae Variant Classification Sherloc (09022015). Collection method: clinical testing. Allele origin: germline.

Blueprint Genetics
Classification: Likely benign. Last evaluated: 2024-09-17. Review status: criteria provided, single submitter. Criteria: ACMG Guidelines, 2015. Collection method: clinical testing. Allele origin: germline.

Breakthrough Genomics
Classification: Benign. Review status: criteria provided, single submitter. Criteria: ACMG Guidelines, 2015. Collection method: not provided. Allele origin: germline. Inheritance: Autosomal recessive inheritance. Affected: yes.